The following is an entry in ClinVar:

ClinVar aggregate classification (germline): Uncertain significance. Review status: criteria provided, multiple submitters, no conflicts (2 of 4 stars). 2 submissions from 2 submitters: Uncertain significance (2). Last evaluated 2018-01-19.

Conditions:
Inborn genetic diseases. Identifiers: MedGen C0950123, MeSH D030342.

Allele frequency attached by ClinVar (database versions not stated): gnomAD 0.00003; TOPMed 0.00004; ESP Exome Variant Server 0.00015; 1000 Genomes Project 30x 0.00016.
gnomAD v4.1: 137 of 1,613,736 alleles (0.0085%); highest among the groups gnomAD compares: Non-Finnish European, 0.011%; no homozygotes.

Submissions (2):

Ambry Genetics
Classification: Uncertain significance for Inborn genetic diseases. Last evaluated: 2018-01-19. Review status: criteria provided, single submitter. Criteria: Ambry Variant Classification Scheme 2023. Collection method: clinical testing. Allele origin: germline.
Comment: The p.T151R variant (also known as c.452C>G), located in coding exon 6 of the MED23 gene, results from a C to G substitution at nucleotide position 452. The threonine at codon 151 is replaced by arginine, an amino acid with similar properties. In addition, the in silico prediction for this alteration is inconclusive. Since supporting evidence is limited at this time, the clinical significance of this alteration remains unclear.

Genetic Services Laboratory, University of Chicago
Classification: Uncertain significance. Last evaluated: 2015-07-29. Review status: criteria provided, single submitter. Criteria: ACMG Guidelines, 2015. Collection method: clinical testing. Allele origin: germline.

NM_004830.4(MED23):c.452C>G (p.Thr151Arg)

Gene: MED23 (mediator complex subunit 23; minus strand). Cytogenetic location: 6q23.2.
Variant type: single nucleotide variant.
Coding change: c.452C>G on transcript NM_004830.4 (MANE Select); coding-DNA position 452, C replaced by G.
Protein change: p.Thr151Arg; replaces threonine 151 with arginine.
Molecular consequence: missense variant.
Genome position (GRCh38, 1-based): chr6:131,621,924, G>C on the plus strand (C>G on the coding strand, the complement: MED23 is on the minus strand). VCF-style: chr6-131621924-G-C. GRCh37 (hg19) VCF-style: chr6-131943064-G-C.
Other names: c.452C>G, p.Thr151Arg (NM_001270521.2, NM_001270522.2, NM_015979.4); short protein forms T151R.
Identifiers: ClinVar variation 211489 (VCV000211489.8), dbSNP rs143799081, ClinGen allele CA206950.